The following is an entry in ClinVar:

NM_000182.5(HADHA):c.752T>G (p.Leu251Arg)

Gene: HADHA (hydroxyacyl-CoA dehydrogenase trifunctional multienzyme complex subunit alpha; minus strand). Cytogenetic location: 2p23.3.
Variant type: single nucleotide variant.
Coding change: c.752T>G on transcript NM_000182.5 (MANE Select); coding-DNA position 752, T replaced by G.
Protein change: p.Leu251Arg; replaces leucine 251 with arginine.
Molecular consequence: missense variant.
Genome position (GRCh38, 1-based): chr2:26,215,100, A>C on the plus strand (T>G on the coding strand, the complement: HADHA is on the minus strand). VCF-style: chr2-26215100-A-C. GRCh37 (hg19) VCF-style: chr2-26437969-A-C.
Other names: short protein forms L251R.
Identifiers: ClinVar variation 3893461 (VCV003893461.2).

ClinVar aggregate classification (germline): Uncertain significance (1 of 4 stars; one submission).

Submission:

GeneDx
Classification: Uncertain significance. Last evaluated: 2025-09-17. Review status: criteria provided, single submitter. Criteria: GeneDx Variant Classification Process June 2021. Collection method: clinical testing. Allele origin: germline.
Comment: Not observed at significant frequency in large population cohorts (gnomAD); In silico analysis supports that this missense variant has a deleterious effect on protein structure/function; Has not been previously published as pathogenic or benign to our knowledge